The following is an entry in ClinVar:

ClinVar aggregate classification (germline): Uncertain significance. Review status: criteria provided, multiple submitters, no conflicts (2 of 4 stars). 2 submissions from 2 submitters: Uncertain significance (2). Last evaluated 2025-10-30.

Conditions:
Hereditary cancer-predisposing syndrome. Also called: Tumor predisposition; Hereditary neoplastic syndrome; Hereditary Cancer Syndrome; Neoplastic Syndromes, Hereditary. Identifiers: Orphanet 140162, MedGen C0027672, MeSH D009386, MONDO:0015356.

Allele frequency attached by ClinVar (database versions not stated): TOPMed 0.00001.

Submissions (2):

Ambry Genetics
Classification: Uncertain significance for Hereditary cancer-predisposing syndrome. Last evaluated: 2025-10-30. Review status: criteria provided, single submitter. Criteria: Ambry Variant Classification Scheme 2023. Collection method: clinical testing. Allele origin: germline.
Comment: The p.A7D variant (also known as c.20C>A), located in coding exon 1 of the HOXB13 gene, results from a C to A substitution at nucleotide position 20. The alanine at codon 7 is replaced by aspartic acid, an amino acid with dissimilar properties. This amino acid position is not well conserved in available vertebrate species. In addition, the in silico prediction for this alteration is inconclusive. Since supporting evidence is limited at this time, the clinical significance of this alteration remains unclear.

Labcorp Genetics (formerly Invitae), Labcorp
Classification: Uncertain significance. Last evaluated: 2024-08-11. Review status: criteria provided, single submitter. Criteria: Invitae Variant Classification Sherloc (09022015). Collection method: clinical testing. Allele origin: germline.
Comment: This sequence change replaces alanine, which is neutral and non-polar, with aspartic acid, which is acidic and polar, at codon 7 of the HOXB13 protein (p.Ala7Asp). This variant is not present in population databases (gnomAD no frequency). This variant has not been reported in the literature in individuals affected with HOXB13-related conditions. ClinVar contains an entry for this variant (Variation ID: 937972). An algorithm developed to predict the effect of missense changes on protein structure and function (PolyPhen-2) suggests that this variant is likely to be tolerated. In summary, the available evidence is currently insufficient to determine the role of this variant in disease. Therefore, it has been classified as a Variant of Uncertain Significance.

NM_006361.6(HOXB13):c.20C>A (p.Ala7Asp)

Gene: HOXB13 (homeobox B13; minus strand). Cytogenetic location: 17q21.32.
Variant type: single nucleotide variant.
Coding change: c.20C>A on transcript NM_006361.6 (MANE Select); coding-DNA position 20, C replaced by A.
Protein change: p.Ala7Asp; replaces alanine 7 with aspartic acid.
Molecular consequence: missense variant.
Genome position (GRCh38, 1-based): chr17:48,728,574, G>T on the plus strand (C>A on the coding strand, the complement: HOXB13 is on the minus strand). VCF-style: chr17-48728574-G-T. GRCh37 (hg19) VCF-style: chr17-46805936-G-T.
Other names: short protein forms A7D.
Identifiers: ClinVar variation 937972 (VCV000937972.11), dbSNP rs1597935362, ClinGen allele CA400109931.